The following is an entry in ClinVar:

ClinVar aggregate classification (germline): Uncertain significance (1 of 4 stars; one submission).

gnomAD v4.1: 1 of 1,613,646 alleles (0.000062%); highest among the groups gnomAD compares: African/African-American, 0.0013%; no homozygotes.

Submission:

Labcorp Genetics (formerly Invitae), Labcorp
Classification: Uncertain significance. Last evaluated: 2025-05-05. Review status: criteria provided, single submitter. Criteria: Invitae Variant Classification Sherloc (09022015). Collection method: clinical testing. Allele origin: germline.
Comment: This sequence change replaces isoleucine, which is neutral and non-polar, with valine, which is neutral and non-polar, at codon 319 of the TNNI3K protein (p.Ile319Val). This variant is not present in population databases (gnomAD no frequency). This variant has not been reported in the literature in individuals affected with TNNI3K-related conditions. ClinVar contains an entry for this variant (Variation ID: 3657016). Invitae Evidence Modeling of protein sequence and biophysical properties (such as structural, functional, and spatial information, amino acid conservation, physicochemical variation, residue mobility, and thermodynamic stability) indicates that this missense variant is not expected to disrupt TNNI3K protein function with a negative predictive value of 80%. In summary, the available evidence is currently insufficient to determine the role of this variant in disease. Therefore, it has been classified as a Variant of Uncertain Significance.

NM_015978.3(TNNI3K):c.955A>G (p.Ile319Val)

Genes: FPGT-TNNI3K (FPGT-TNNI3K readthrough; plus strand), TNNI3K (TNNI3 interacting kinase; plus strand). Cytogenetic location: 1p31.1.
Variant type: single nucleotide variant.
Coding change: c.955A>G on transcript NM_015978.3 (MANE Select); coding-DNA position 955, A replaced by G.
Protein change: p.Ile319Val; replaces isoleucine 319 with valine.
Molecular consequence: missense variant.
Genome position (GRCh38, 1-based): chr1:74,353,288, A>G. VCF-style: chr1-74353288-A-G. GRCh37 (hg19) VCF-style: chr1-74818972-A-G.
Other names: c.1258A>G, p.Ile420Val (NM_001112808.3, NM_001199327.2); short protein forms I319V, I420V.
Identifiers: ClinVar variation 3657016 (VCV003657016.2).